The following is an entry in ClinVar:

NM_006514.4(SCN10A):c.397A>G (p.Ser133Gly)

Gene: SCN10A (sodium voltage-gated channel alpha subunit 10; minus strand). Cytogenetic location: 3p22.2.
Variant type: single nucleotide variant.
Coding change: c.397A>G on transcript NM_006514.4 (MANE Select); coding-DNA position 397, A replaced by G.
Protein change: p.Ser133Gly; replaces serine 133 with glycine.
Molecular consequence: missense variant.
Genome position (GRCh38, 1-based): chr3:38,789,029, T>C on the plus strand (A>G on the coding strand, the complement: SCN10A is on the minus strand). VCF-style: chr3-38789029-T-C. GRCh37 (hg19) VCF-style: chr3-38830520-T-C.
Other names: c.397A>G, p.Ser133Gly (NM_001293306.2, NM_001293307.2); short protein forms S133G.
Identifiers: ClinVar variation 1904421 (VCV001904421.5), dbSNP rs1053499924, ClinGen allele CA72961331.
Genomic context (GRCh38, chr3:38,789,029, plus strand): 5'-GAAGGTCAGTTCGGGTCATGCACACACAATTAACCAAAATAGTGACCGTAATAAATAAAC[T>C]GAACCACCTGAAAGGCCTGTGTTAAGGAAAAGCTGAGATCACCAAGTCTCTGTGATGTCA-3'
Protein context (NP_006505.4, residues 123-143): AIKVSVHSWF[Ser133Gly]LFITVTILVN

ClinVar aggregate classification (germline): Uncertain significance (1 of 4 stars; one submission).

Conditions:
Brugada syndrome. Also called: Sudden unexpected nocturnal death syndrome; Sudden Unexplained Death Syndrome; Sudden Unexplained Nocturnal Death Syndrome (SUNDS); Sudden unexplained nocturnal death syndrome. Identifiers: Orphanet 130, MedGen C1142166, MONDO:0015263.

Allele frequency attached by ClinVar (database versions not stated): gnomAD 0.00002.
gnomAD v4.1: 5 of 1,607,012 alleles (0.00031%); highest among the groups gnomAD compares: African/African-American, 0.0054%; no homozygotes.

Submission:

Labcorp Genetics (formerly Invitae), Labcorp
Classification: Uncertain significance for Brugada syndrome. Last evaluated: 2022-10-17. Review status: criteria provided, single submitter. Criteria: Invitae Variant Classification Sherloc (09022015). Collection method: clinical testing. Allele origin: germline.
Comment: In summary, the available evidence is currently insufficient to determine the role of this variant in disease. Therefore, it has been classified as a Variant of Uncertain Significance. Advanced modeling of protein sequence and biophysical properties (such as structural, functional, and spatial information, amino acid conservation, physicochemical variation, residue mobility, and thermodynamic stability) performed at Invitae indicates that this missense variant is not expected to disrupt SCN10A protein function. This variant has not been reported in the literature in individuals affected with SCN10A-related conditions. This variant is present in population databases (no rsID available, gnomAD 0.01%). This sequence change replaces serine, which is neutral and polar, with glycine, which is neutral and non-polar, at codon 133 of the SCN10A protein (p.Ser133Gly).